The following is an entry in ClinVar:

ClinVar aggregate classification (germline): Uncertain significance. Review status: criteria provided, multiple submitters, no conflicts (2 of 4 stars). 3 submissions from 3 submitters: Uncertain significance (3). Last evaluated 2023-11-13.

Conditions:
Inborn genetic diseases. Identifiers: MedGen C0950123, MeSH D030342.

Allele frequency attached by ClinVar (database versions not stated): gnomAD exomes 0.00001; ExAC 0.00002; ESP Exome Variant Server 0.00008; TOPMed 0.00009; gnomAD 0.00010.
gnomAD v4.1: 28 of 1,595,436 alleles (0.0018%); highest among the groups gnomAD compares: African/African-American, 0.027%; no homozygotes.

Submissions (3):

Women's Health and Genetics/Laboratory Corporation of America, LabCorp
Classification: Uncertain significance. Last evaluated: 2023-11-13. Review status: criteria provided, single submitter. Criteria: LabCorp Variant Classification Summary - May 2015. Collection method: clinical testing. Allele origin: germline.
Comment: Variant summary: SRCAP c.9563G>A (p.Arg3188His) results in a non-conservative amino acid change in the encoded protein sequence. Three of five in-silico tools predict a benign effect of the variant on protein function. The variant allele was found at a frequency of 1.4e-05 in 210450 control chromosomes. The available data on variant occurrences in the general population are insufficient to allow any conclusion about variant significance. To our knowledge, no occurrence of c.9563G>A in individuals affected with Floating-Harbor Syndrome and no experimental evidence demonstrating its impact on protein function have been reported. Two submitters have cited clinical-significance assessments for this variant to ClinVar after 2014. All submitters classified the variant as uncertain significance. Based on the evidence outlined above, the variant was classified as uncertain significance.

Labcorp Genetics (formerly Invitae), Labcorp
Classification: Uncertain significance. Last evaluated: 2023-05-22. Review status: criteria provided, single submitter. Criteria: Invitae Variant Classification Sherloc (09022015). Collection method: clinical testing. Allele origin: germline.
Comment: In summary, the available evidence is currently insufficient to determine the role of this variant in disease. Therefore, it has been classified as a Variant of Uncertain Significance. Advanced modeling of protein sequence and biophysical properties (such as structural, functional, and spatial information, amino acid conservation, physicochemical variation, residue mobility, and thermodynamic stability) performed at Invitae indicates that this missense variant is not expected to disrupt SRCAP protein function. ClinVar contains an entry for this variant (Variation ID: 2070985). This variant has not been reported in the literature in individuals affected with SRCAP-related conditions. This variant is present in population databases (rs375261813, gnomAD 0.03%). This sequence change replaces arginine, which is basic and polar, with histidine, which is basic and polar, at codon 3188 of the SRCAP protein (p.Arg3188His).

Ambry Genetics
Classification: Uncertain significance for Inborn genetic diseases. Last evaluated: 2021-06-11. Review status: criteria provided, single submitter. Criteria: Ambry Variant Classification Scheme 2023. Collection method: clinical testing. Allele origin: germline.

NM_006662.3(SRCAP):c.9563G>A (p.Arg3188His)

Gene: SRCAP (Snf2 related CREBBP activator protein; plus strand). Cytogenetic location: 16p11.2.
Variant type: single nucleotide variant.
Coding change: c.9563G>A on transcript NM_006662.3 (MANE Select); coding-DNA position 9563, G replaced by A.
Protein change: p.Arg3188His; replaces arginine 3188 with histidine.
Molecular consequence: missense variant.
Genome position (GRCh38, 1-based): chr16:30,739,603, G>A. VCF-style: chr16-30739603-G-A. GRCh37 (hg19) VCF-style: chr16-30750924-G-A.
Other names: short protein forms R3188H.
Identifiers: ClinVar variation 2070985 (VCV002070985.5), dbSNP rs375261813, ClinGen allele CA8012952.